The following is an entry in ClinVar:

NM_000138.5(FBN1):c.732T>A (p.Cys244Ter)

Gene: FBN1 (fibrillin 1; minus strand). Cytogenetic location: 15q21.1.
Variant type: single nucleotide variant.
Coding change: c.732T>A on transcript NM_000138.5 (MANE Select); coding-DNA position 732, T replaced by A.
Protein change: p.Cys244Ter; replaces cysteine 244 with a stop codon.
Molecular consequence: nonsense.
Genome position (GRCh38, 1-based): chr15:48,537,615, A>T on the plus strand (T>A on the coding strand, the complement: FBN1 is on the minus strand). VCF-style: chr15-48537615-A-T. GRCh37 (hg19) VCF-style: chr15-48829812-A-T.
Other names: short protein forms C244*.
Identifiers: ClinVar variation 237104 (VCV000237104.10), dbSNP rs878853689, ClinGen allele CA10583254.

ClinVar aggregate classification (germline): Pathogenic. Review status: criteria provided, multiple submitters, no conflicts (2 of 4 stars). 2 submissions from 2 submitters: Pathogenic (2). Last evaluated 2019-11-27.

Conditions:
Marfan syndrome (MFS). Also called: MARFAN SYNDROME, TYPE I; FBN1-Related Marfan Syndrome; Marfan syndrome, classic; Marfan syndrome type 1; Marfan's syndrome. Identifiers: Orphanet 284963, Orphanet 558, MedGen C0024796, MONDO:0007947, OMIM 154700.
Familial thoracic aortic aneurysm and aortic dissection (TAAD). Also called: Thoracic aortic aneurysms and dissections. Identifiers: Orphanet 91387, MedGen C4707243, MONDO:0019625.

Submissions (2):

Labcorp Genetics (formerly Invitae), Labcorp
Classification: Pathogenic for Marfan syndrome; Familial thoracic aortic aneurysm and aortic dissection. Last evaluated: 2019-11-27. Review status: criteria provided, single submitter. Criteria: Invitae Variant Classification Sherloc (09022015). Collection method: clinical testing. Allele origin: germline.
Comment: For these reasons, this variant has been classified as Pathogenic. Loss-of-function variants in FBN1 are known to be pathogenic (PMID: 17657824, 19293843). This variant has not been reported in the literature in individuals with FBN1-related conditions. ClinVar contains an entry for this variant (Variation ID: 237104). This variant is not present in population databases (ExAC no frequency). This sequence change creates a premature translational stop signal (p.Cys244*) in the FBN1 gene. It is expected to result in an absent or disrupted protein product.

Ambry Genetics
Classification: Pathogenic for Familial thoracic aortic aneurysm and aortic dissection. Last evaluated: 2017-05-30. Review status: criteria provided, single submitter. Criteria: Ambry Variant Classification Scheme 2023. Collection method: clinical testing. Allele origin: germline.
Comment: The p.C244* pathogenic mutation (also known as c.732T>A), located in coding exon 6 of the FBN1 gene, results from a T to A substitution at nucleotide position 732. This changes the amino acid from a cysteine to a stop codon within coding exon 6. This alteration is expected to result in loss of function by premature protein truncation or nonsense-mediated mRNA decay. As such, this alteration is interpreted as a disease-causing mutation.

Literature cited by the submitters: PubMed 17657824 (cited by Labcorp Genetics (formerly Invitae), Labcorp); PubMed 19293843 (cited by Labcorp Genetics (formerly Invitae), Labcorp).